The following is an entry in ClinVar:

ClinVar aggregate classification (germline): Uncertain significance (1 of 4 stars; one submission).

gnomAD v4.1: 1 of 1,613,752 alleles (0.000062%); highest among the groups gnomAD compares: South Asian, 0.0011%; no homozygotes.

Submission:

Labcorp Genetics (formerly Invitae), Labcorp
Classification: Uncertain significance. Last evaluated: 2021-06-07. Review status: criteria provided, single submitter. Criteria: Invitae Variant Classification Sherloc (09022015). Collection method: clinical testing. Allele origin: germline.
Comment: This variant is not present in population databases (ExAC no frequency). This sequence change replaces proline with serine at codon 234 of the LIG1 protein (p.Pro234Ser). The proline residue is moderately conserved and there is a moderate physicochemical difference between proline and serine. This variant has not been reported in the literature in individuals with LIG1-related conditions. Algorithms developed to predict the effect of missense changes on protein structure and function are either unavailable or do not agree on the potential impact of this missense change (SIFT: "Tolerated"; PolyPhen-2: "Probably Damaging"; Align-GVGD: "Class C0"). In summary, the available evidence is currently insufficient to determine the role of this variant in disease. Therefore, it has been classified as a Variant of Uncertain Significance.

NM_000234.3(LIG1):c.700C>T (p.Pro234Ser)

Gene: LIG1 (DNA ligase 1; minus strand). Cytogenetic location: 19q13.33.
Variant type: single nucleotide variant.
Coding change: c.700C>T on transcript NM_000234.3 (MANE Select); coding-DNA position 700, C replaced by T.
Protein change: p.Pro234Ser; replaces proline 234 with serine.
Molecular consequence: missense variant. On other transcripts: non-coding transcript variant (6).
Genome position (GRCh38, 1-based): chr19:48,149,839, G>A on the plus strand (C>T on the coding strand, the complement: LIG1 is on the minus strand). VCF-style: chr19-48149839-G-A. GRCh37 (hg19) VCF-style: chr19-48653096-G-A.
Other names: c.607C>T, p.Pro203Ser (NM_001289063.2); c.496C>T, p.Pro166Ser (NM_001289064.2); c.697C>T, p.Pro233Ser (NM_001320970.2); c.610C>T, p.Pro204Ser (NM_001320971.2); short protein forms P204S, P234S, P166S, P203S, P233S.
Identifiers: ClinVar variation 1396193 (VCV001396193.8), dbSNP rs777334641, ClinGen allele CA406654561.